The following is an entry in ClinVar:

ClinVar aggregate classification (germline): Pathogenic. Review status: criteria provided, single submitter (1 of 4 stars). 2 submissions from 2 submitters: Pathogenic (1). 1 of the submissions does not count toward it. Last evaluated 2025-12-18.

Conditions:
Cone-rod dystrophy 9 (CORD9). Identifiers: Orphanet 1872, MedGen C1423873, MONDO:0013002, OMIM 612775.

Allele frequency attached by ClinVar (database versions not stated): gnomAD exomes below 0.00001 and 0.00001; ExAC 0.00001.
gnomAD v4.1: 5 of 1,612,194 alleles (0.00031%); highest among the groups gnomAD compares: South Asian, 0.0011%; no homozygotes.

Submissions (2):

3billion
Classification: Pathogenic for Cone-rod dystrophy 9. Last evaluated: 2025-12-18. Review status: criteria provided, single submitter. Criteria: ACMG Guidelines, 2015. Collection method: clinical testing. Allele origin: germline. Affected: yes.
Comment: The variant is observed at an extremely low frequency in the gnomAD v4.1.0 dataset (total allele frequency: <0.001%). Predicted Consequence/Location: Stop-gained (nonsense): predicted to result in a loss or disruption of normal protein function through nonsense-mediated decay (NMD) or protein truncation. Multiple pathogenic variants are reported downstream of the variant. The variant has been reported to be associated with ADAM9-related disorder (ClinVar ID: VCV000006877 /PMID: 19409519). Therefore, this variant is classified as Pathogenic according to the recommendation of ACMG/AMP guideline.

OMIM
Classification: Pathogenic for CONE-ROD DYSTROPHY 9. Last evaluated: 2009-05-01. Review status: no assertion criteria provided. Collection method: literature only. Allele origin: germline. Not counted in ClinVar's aggregate classification.

Literature cited by the submitters: PubMed 19409519 (cited by 3billion and OMIM).

NM_003816.3(ADAM9):c.766C>T (p.Arg256Ter)

Gene: ADAM9 (ADAM metallopeptidase domain 9; plus strand). Cytogenetic location: 8p11.22.
Variant type: single nucleotide variant.
Coding change: c.766C>T on transcript NM_003816.3 (MANE Select); coding-DNA position 766, C replaced by T.
Protein change: p.Arg256Ter; replaces arginine 256 with a stop codon.
Molecular consequence: nonsense. On other transcripts: non-coding transcript variant (3).
Genome position (GRCh38, 1-based): chr8:39,023,177, C>T. VCF-style: chr8-39023177-C-T. GRCh37 (hg19) VCF-style: chr8-38880696-C-T.
Other names: short protein forms R256*.
Identifiers: ClinVar variation 6877 (VCV000006877.2), dbSNP rs137853040, ClinGen allele CA118543.
Genomic context (GRCh38, chr8:39,023,177, plus strand): 5'-TTTACTATATTTTATATACTTTTATTTCTTTCTTCCCAGATGTATATTATGTTAAATATT[C>T]GAATTGTGCTAGTTGGACTGGAGATTTGGACCAATGGAAACCTGATCAACATAGTTGGGG-3'